The following is an entry in ClinVar:

ClinVar aggregate classification (germline): Likely benign (1 of 4 stars; one submission).

Conditions:
Spinocerebellar ataxia, autosomal recessive, with axonal neuropathy 1 (SCAN1). Identifiers: Orphanet 94124, MedGen C4759870, MONDO:0011801, OMIM 607250.

Allele frequency attached by ClinVar (database versions not stated): TOPMed 0.00125; 1000 Genomes Project 0.00200; 1000 Genomes Project 30x 0.00219.

Submission:

Illumina Laboratory Services, Illumina
Classification: Likely benign for Spinocerebellar ataxia, autosomal recessive, with axonal neuropathy 1. Last evaluated: 2018-01-13. Review status: criteria provided, single submitter. Criteria: ICSL Variant Classification Criteria 13 December 2019. Collection method: clinical testing. Allele origin: germline.
Comment: This variant was observed in the ICSL laboratory as part of a predisposition screen in an ostensibly healthy population. It had not been previously curated by ICSL or reported in the Human Gene Mutation Database (HGMD: prior to June 1st, 2018), and was therefore a candidate for classification through an automated scoring system. Utilizing variant allele frequency, disease prevalence and penetrance estimates, and inheritance mode, an automated score was calculated to assess if this variant is too frequent to cause the disease. Based on the score and internal cut-off values, a variant classified as likely benign is not then subjected to further curation. The score for this variant resulted in a classification of likely benign for this disease.

NM_018319.4(TDP1):c.*932C>T

Gene: TDP1 (tyrosyl-DNA phosphodiesterase 1; plus strand). Cytogenetic location: 14q32.11.
Variant type: single nucleotide variant.
Coding change: c.*932C>T on transcript NM_018319.4 (MANE Select); 932 bases downstream of the stop codon, C replaced by T.
Molecular consequence: 3 prime UTR variant.
Genome position (GRCh38, 1-based): chr14:90,044,075, C>T. VCF-style: chr14-90044075-C-T. GRCh37 (hg19) VCF-style: chr14-90510419-C-T.
Other names: c.*932C>T (NM_001008744.2); c.*913C>T (NM_001330205.2).
Identifiers: ClinVar variation 887063 (VCV000887063.4), dbSNP rs537989252, ClinGen allele CA264594403.
Genomic context (GRCh38, chr14:90,044,075, plus strand): 5'-GCTAAGAATTGTATTGACTGTCCTCACAGCGGCTTTTCATAGCTTTCAGCTTCAGCTTTA[C>T]GAGGCTTCTCCTCTCTCCCTGGCACCCTGCTGGCTGCCTCACTGCTTACAGACAGGTCCC-3'